The following is an entry in ClinVar:

NM_032043.3(BRIP1):c.-2C>G

Gene: BRIP1 (BRCA1 interacting DNA helicase 1; minus strand). Cytogenetic location: 17q23.2.
Variant type: single nucleotide variant.
Coding change: c.-2C>G on transcript NM_032043.3 (MANE Select); 2 bases upstream of the start codon, C replaced by G.
Molecular consequence: 5 prime UTR variant.
Genome position (GRCh38, 1-based): chr17:61,861,541, G>C on the plus strand (C>G on the coding strand, the complement: BRIP1 is on the minus strand). VCF-style: chr17-61861541-G-C. GRCh37 (hg19) VCF-style: chr17-59938902-G-C.
Identifiers: ClinVar variation 1798653 (VCV001798653.4), dbSNP rs2078973923, ClinGen allele CA2269204686.
Genomic context (GRCh38, chr17:61,861,541, plus strand): 5'-TTATAAGGAAAGTAAATCTTCACCCCACCAATTGTATATTCAGACCACATTGAAGACATA[G>C]TGCTTTCCTGTTTATTTCAGATTCCTAACTACAACAGAAATGAAAATGTCAAATATTGAG-3'

ClinVar aggregate classification (germline): Uncertain significance. Review status: criteria provided, multiple submitters, no conflicts (2 of 4 stars). 2 submissions from 2 submitters: Uncertain significance (2). Last evaluated 2024-12-21.

Conditions:
Hereditary cancer-predisposing syndrome. Also called: Neoplastic Syndromes, Hereditary; Tumor predisposition; Hereditary Cancer Syndrome; Hereditary neoplastic syndrome. Identifiers: Orphanet 140162, MedGen C0027672, MeSH D009386, MONDO:0015356.

Allele frequency attached by ClinVar (database versions not stated): TOPMed below 0.00001.

Submissions (2):

Ambry Genetics
Classification: Uncertain significance for Hereditary cancer-predisposing syndrome. Last evaluated: 2024-12-21. Review status: criteria provided, single submitter. Criteria: Ambry Variant Classification Scheme 2023. Collection method: clinical testing. Allele origin: germline.
Comment: The c.-2C>G variant is located in the 5' untranslated region (5&rsquo; UTR) of the BRIP1 gene. This variant results from a C to G substitution 2 bases upstream from the first translated codon. This nucleotide position is poorly conserved in available vertebrate species. Since supporting evidence is limited at this time, the clinical significance of this alteration remains unclear.

GeneDx
Classification: Uncertain significance. Last evaluated: 2023-12-20. Review status: criteria provided, single submitter. Criteria: GeneDx Variant Classification Process June 2021. Collection method: clinical testing. Allele origin: germline. Affected: yes.
Comment: Not observed at significant frequency in large population cohorts (gnomAD); Nucleotide is not conserved across species and the substitution has no predicted effect on splicing; Has not been previously published as pathogenic or benign to our knowledge; Alters the Kozak sequence, which plays a major role in the initiation of translation